The following is an entry in ClinVar:

NM_004260.4(RECQL4):c.3040_3042del (p.His1014del)

Gene: RECQL4 (RecQ like helicase 4; minus strand). Cytogenetic location: 8q24.3.
Variant type: Deletion.
Coding change: c.3040_3042del on transcript NM_004260.4 (MANE Select); coding-DNA positions 3040 to 3042, 3 bases deleted (CAC; older notation c.3040_3042delCAC).
Protein change: p.His1014del; deletes histidine 1014.
Molecular consequence: inframe deletion.
Genome position (GRCh38, 1-based): chr8:144,512,405-144,512,407, GTG deleted on the plus strand (CAC on the coding strand, the reverse complement: RECQL4 is on the minus strand); deleting any 3 consecutive bases within chr8:144,512,405-144,512,409 gives the same sequence; the c. name uses the placement nearest the transcript's 3' end. VCF-style (leftmost placement, unchanged base first): chr8-144512404-CGTG-C. GRCh37 (hg19) VCF-style: chr8-145737787-CGTG-C.
Other names: short protein forms H1014del.
Identifiers: ClinVar variation 846121 (VCV000846121.5), dbSNP rs1827421175, ClinGen allele CA916083026.

ClinVar aggregate classification (germline): Uncertain significance (1 of 4 stars; one submission).

Conditions:
Baller-Gerold syndrome (BGS). Also called: CRANIOSYNOSTOSIS WITH RADIAL DEFECTS. Identifiers: Orphanet 1225, MedGen C0265308, MONDO:0009039, OMIM 218600.

Submission:

Labcorp Genetics (formerly Invitae), Labcorp
Classification: Uncertain significance for Baller-Gerold syndrome. Last evaluated: 2023-01-06. Review status: criteria provided, single submitter. Criteria: Invitae Variant Classification Sherloc (09022015). Collection method: clinical testing. Allele origin: germline.
Comment: This variant is not present in population databases (gnomAD no frequency). In summary, the available evidence is currently insufficient to determine the role of this variant in disease. Therefore, it has been classified as a Variant of Uncertain Significance. Experimental studies and prediction algorithms are not available or were not evaluated, and the functional significance of this variant is currently unknown. ClinVar contains an entry for this variant (Variation ID: 846121). This variant has not been reported in the literature in individuals affected with RECQL4-related conditions. This variant, c.3040_3042del, results in the deletion of 1 amino acid(s) of the RECQL4 protein (p.His1014del), but otherwise preserves the integrity of the reading frame.